The following is an entry in ClinVar:

ClinVar aggregate classification (germline): Uncertain significance (1 of 4 stars; one submission).

Allele frequency attached by ClinVar (database versions not stated): gnomAD exomes below 0.00001.
gnomAD v4.1: 2 of 1,551,436 alleles (0.00013%); highest among the groups gnomAD compares: Non-Finnish European, 0.00017%; no homozygotes.

Submission:

Labcorp Genetics (formerly Invitae), Labcorp
Classification: Uncertain significance. Last evaluated: 2023-05-15. Review status: criteria provided, single submitter. Criteria: Invitae Variant Classification Sherloc (09022015). Collection method: clinical testing. Allele origin: germline.
Comment: This sequence change replaces glutamine, which is neutral and polar, with histidine, which is basic and polar, at codon 841 of the UNC80 protein (p.Gln841His). This variant is not present in population databases (gnomAD no frequency). In summary, the available evidence is currently insufficient to determine the role of this variant in disease. Therefore, it has been classified as a Variant of Uncertain Significance. An algorithm developed to predict the effect of missense changes on protein structure and function (PolyPhen-2) suggests that this variant is likely to be disruptive. ClinVar contains an entry for this variant (Variation ID: 2178726). This variant has not been reported in the literature in individuals affected with UNC80-related conditions.

NM_001371986.1(UNC80):c.2523G>T (p.Gln841His)

Gene: UNC80 (unc-80 subunit of NALCN channel complex; plus strand). Cytogenetic location: 2q34.
Variant type: single nucleotide variant.
Coding change: c.2523G>T on transcript NM_001371986.1 (MANE Select); coding-DNA position 2523, G replaced by T.
Protein change: p.Gln841His; replaces glutamine 841 with histidine.
Molecular consequence: missense variant.
Genome position (GRCh38, 1-based): chr2:209,829,276, G>T. VCF-style: chr2-209829276-G-T. GRCh37 (hg19) VCF-style: chr2-210694000-G-T.
Other names: c.2523G>T, p.Gln841His (NM_032504.2); c.2508G>T, p.Gln836His (NM_182587.4); short protein forms Q841H, Q836H.
Identifiers: ClinVar variation 2178726 (VCV002178726.4), dbSNP rs2470983007, ClinGen allele CA350137601.